The following is an entry in ClinVar:

NM_001143986.2(TLE6):c.991C>T (p.Gln331Ter)

Gene: TLE6 (TLE family member 6, subcortical maternal complex member; plus strand). Cytogenetic location: 19p13.3.
Variant type: single nucleotide variant.
Coding change: c.991C>T on transcript NM_001143986.2 (MANE Select); coding-DNA position 991, C replaced by T.
Protein change: p.Gln331Ter; replaces glutamine 331 with a stop codon.
Molecular consequence: nonsense.
Genome position (GRCh38, 1-based): chr19:2,989,311, C>T. VCF-style: chr19-2989311-C-T. GRCh37 (hg19) VCF-style: chr19-2989309-C-T.
Other names: c.622C>T, p.Gln208Ter (NM_024760.3); short protein forms Q208*, Q331*.
Identifiers: ClinVar variation 5018738 (VCV005018738.2).

ClinVar aggregate classification (germline): Likely pathogenic (1 of 4 stars; one submission).

Conditions:
Preimplantation embryonic lethality 1 (OZEMA15). Also called: OOCYTE/ZYGOTE/EMBRYO MATURATION ARREST 15. Identifiers: MedGen C4225197, OMIM 616814, MONDO:0014783.

gnomAD v4.1: 1 of 1,612,682 alleles (0.000062%); highest among the groups gnomAD compares: South Asian, 0.0011%; no homozygotes.

Submission:

Juno Genomics, Hangzhou Juno Genomics, Inc
Classification: Likely pathogenic for Preimplantation embryonic lethality 1. Review status: criteria provided, single submitter. Criteria: ACMG Guidelines, 2015. Collection method: clinical testing. Allele origin: germline.
Comment: Absent from controls (or at extremely low frequency if recessive) in Genome Aggregation Database.;Null variant in a gene where loss of function (LOF) is a known mechanism of disease.